The following is an entry in ClinVar:

ClinVar aggregate classification (germline): Uncertain significance (1 of 4 stars; one submission).

Conditions:
Arrhythmogenic right ventricular dysplasia 10. Also called: Arrhythmogenic Right Ventricular Dysplasia/Cardiomyopathy10; ARRHYTHMOGENIC RIGHT VENTRICULAR DYSPLASIA, FAMILIAL, 10; Arrhythmogenic right ventricular dysplasia/cardiomyopathy, type 10. Identifiers: MedGen C1857777, MONDO:0012434, OMIM 610193.

Submission:

Labcorp Genetics (formerly Invitae), Labcorp
Classification: Uncertain significance for Arrhythmogenic right ventricular dysplasia 10. Last evaluated: 2025-12-08. Review status: criteria provided, single submitter. Criteria: Invitae Variant Classification Sherloc (09022015). Collection method: clinical testing. Allele origin: germline.
Comment: This sequence change replaces asparagine, which is neutral and polar, with serine, which is neutral and polar, at codon 1073 of the DSG2 protein (p.Asn1073Ser). This variant is not present in population databases (gnomAD no frequency). This variant has not been reported in the literature in individuals affected with DSG2-related conditions. Invitae Evidence Modeling of protein sequence and biophysical properties (such as structural, functional, and spatial information, amino acid conservation, physicochemical variation, residue mobility, and thermodynamic stability) indicates that this missense variant is not expected to disrupt DSG2 protein function with a negative predictive value of 95%. In summary, the available evidence is currently insufficient to determine the role of this variant in disease. Therefore, it has been classified as a Variant of Uncertain Significance.

NM_001943.5(DSG2):c.3218A>G (p.Asn1073Ser)

Genes: DSG2 (desmoglein 2; plus strand), DSG2-AS1 (DSG2 antisense RNA 1; minus strand). Cytogenetic location: 18q12.1.
Variant type: single nucleotide variant.
Coding change: c.3218A>G on transcript NM_001943.5 (MANE Select); coding-DNA position 3218, A replaced by G.
Protein change: p.Asn1073Ser; replaces asparagine 1073 with serine.
Molecular consequence: missense variant.
Genome position (GRCh38, 1-based): chr18:31,546,604, A>G. VCF-style: chr18-31546604-A-G. GRCh37 (hg19) VCF-style: chr18-29126567-A-G.
Other names: short protein forms N1073S.
Identifiers: ClinVar variation 4811272 (VCV004811272.1).